The following is an entry in ClinVar:

NM_001042492.3(NF1):c.1555C>T (p.Gln519Ter)

Gene: NF1 (neurofibromin 1; plus strand). Cytogenetic location: 17q11.2.
Variant type: single nucleotide variant.
Coding change: c.1555C>T on transcript NM_001042492.3 (MANE Select); coding-DNA position 1555, C replaced by T.
Protein change: p.Gln519Ter; replaces glutamine 519 with a stop codon.
Molecular consequence: nonsense.
Genome position (GRCh38, 1-based): chr17:31,219,032, C>T. VCF-style: chr17-31219032-C-T. GRCh37 (hg19) VCF-style: chr17-29546050-C-T.
Other names: c.1555C>T, p.Gln519Ter (NM_000267.4, NM_001128147.3); short protein forms Q519*.
Identifiers: ClinVar variation 837847 (VCV000837847.7), dbSNP rs2066874419, ClinGen allele CA399001868.
Genomic context (GRCh38, chr17:31,219,032, plus strand): 5'-TTTTTAATTGAAGTTTCCTTTTTTTCCTTGCAGAATCCAAGAAAACAGGGGCCCGAAACC[C>T]AAGGCAGTACAGCAGAATTAATTACAGGGCTCGTCCAACTGGTCCCTCAGTCACACATGC-3'

ClinVar aggregate classification (germline): Pathogenic. Review status: criteria provided, multiple submitters, no conflicts (2 of 4 stars). 2 submissions from 2 submitters: Pathogenic (2). Last evaluated 2023-10-12.

Conditions:
Neurofibromatosis, type 1 (NF1). Also called: Peripheral type neurofibromatosis; Neurofibromatosis, type I; VON RECKLINGHAUSEN DISEASE; NEUROFIBROMATOSIS, TYPE I, SOMATIC. Identifiers: Orphanet 636, MedGen C0027831, MONDO:0018975, OMIM 162200. Disease mechanism: loss of function.

Submissions (2):

GeneDx
Classification: Pathogenic. Last evaluated: 2023-10-12. Review status: criteria provided, single submitter. Criteria: GeneDx Variant Classification Process June 2021. Collection method: clinical testing. Allele origin: germline. Affected: yes.
Comment: Nonsense variant predicted to result in protein truncation or nonsense mediated decay in a gene for which loss of function is a known mechanism of disease; Not observed at significant frequency in large population cohorts (gnomAD); Observed in individuals with breast cancer in published literature (Momozawa et al., 2018); This variant is associated with the following publications: (PMID: 30287823, 10712197, 23913538)

Labcorp Genetics (formerly Invitae), Labcorp
Classification: Pathogenic for Neurofibromatosis, type 1. Last evaluated: 2022-07-31. Review status: criteria provided, single submitter. Criteria: Invitae Variant Classification Sherloc (09022015). Collection method: clinical testing. Allele origin: germline.
Comment: For these reasons, this variant has been classified as Pathogenic. ClinVar contains an entry for this variant (Variation ID: 837847). This premature translational stop signal has been observed in individual(s) with breast cancer (PMID: 30287823). This variant is not present in population databases (gnomAD no frequency). This sequence change creates a premature translational stop signal (p.Gln519*) in the NF1 gene. It is expected to result in an absent or disrupted protein product. Loss-of-function variants in NF1 are known to be pathogenic (PMID: 10712197, 23913538).

Literature cited by the submitters: PubMed 30287823 (cited by Labcorp Genetics (formerly Invitae), Labcorp); PubMed 10712197 (cited by Labcorp Genetics (formerly Invitae), Labcorp); PubMed 23913538 (cited by Labcorp Genetics (formerly Invitae), Labcorp).